The following is an entry in ClinVar:

NM_006397.3(RNASEH2A):c.625G>C (p.Gly209Arg)

Gene: RNASEH2A (ribonuclease H2 subunit A; plus strand). Cytogenetic location: 19p13.13.
Variant type: single nucleotide variant.
Coding change: c.625G>C on transcript NM_006397.3 (MANE Select); coding-DNA position 625, G replaced by C.
Protein change: p.Gly209Arg; replaces glycine 209 with arginine.
Molecular consequence: missense variant.
Genome position (GRCh38, 1-based): chr19:12,810,392, G>C. VCF-style: chr19-12810392-G-C. GRCh37 (hg19) VCF-style: chr19-12921206-G-C.
Other names: short protein forms G209R.
Identifiers: ClinVar variation 862565 (VCV000862565.9), dbSNP rs1568387884, ClinGen allele CA404267922.

ClinVar aggregate classification (germline): Uncertain significance (1 of 4 stars; one submission).

Conditions:
Aicardi-Goutieres syndrome 4. Identifiers: Orphanet 51, MedGen C1835912, MONDO:0012472, OMIM 610333.

Allele frequency attached by ClinVar (database versions not stated): gnomAD exomes below 0.00001.

Submission:

Labcorp Genetics (formerly Invitae), Labcorp
Classification: Uncertain significance for Aicardi-Goutieres syndrome 4. Last evaluated: 2019-12-03. Review status: criteria provided, single submitter. Criteria: Invitae Variant Classification Sherloc (09022015). Collection method: clinical testing. Allele origin: germline.
Comment: This sequence change replaces glycine with arginine at codon 209 of the RNASEH2A protein (p.Gly209Arg). The glycine residue is highly conserved and there is a moderate physicochemical difference between glycine and arginine. In summary, the available evidence is currently insufficient to determine the role of this variant in disease. Therefore, it has been classified as a Variant of Uncertain Significance. Algorithms developed to predict the effect of missense changes on protein structure and function (SIFT, PolyPhen-2, Align-GVGD) all suggest that this variant is likely to be disruptive, but these predictions have not been confirmed by published functional studies and their clinical significance is uncertain. This variant has not been reported in the literature in individuals with RNASEH2A-related conditions. This variant is not present in population databases (ExAC no frequency).